The following is an entry in ClinVar:

NM_000492.4(CFTR):c.890G>A (p.Arg297Gln)

Gene: CFTR (CF transmembrane conductance regulator; plus strand). Cytogenetic location: 7q31.2.
Variant type: single nucleotide variant.
Coding change: c.890G>A on transcript NM_000492.4 (MANE Select); coding-DNA position 890, G replaced by A.
Protein change: p.Arg297Gln; replaces arginine 297 with glutamine.
Molecular consequence: missense variant.
Genome position (GRCh38, 1-based): chr7:117,540,120, G>A. VCF-style: chr7-117540120-G-A. GRCh37 (hg19) VCF-style: chr7-117180174-G-A.
Other names: short protein forms R297Q.
Identifiers: ClinVar variation 54082 (VCV000054082.95), dbSNP rs143486492, ClinGen allele CA203580.

ClinVar aggregate classification (germline): Conflicting classifications of pathogenicity. Review status: criteria provided, conflicting classifications (1 of 4 stars). 21 submissions from 21 submitters: Uncertain significance (9); Benign (1); Likely benign (10). 1 of the submissions does not count toward it. Last evaluated 2026-02-04.

Conditions:
CFTR-related disorder (CFTR-RD). Also called: CFTR-related disorders; CFTR-related condition. Identifiers: MedGen C5924204, MONDO:7770004.
Cystic fibrosis (CF). Also called: MUCOVISCIDOSIS. Identifiers: Orphanet 586, MedGen C0010674, MONDO:0009061, OMIM 219700. Disease mechanism: loss of function.

Allele frequency attached by ClinVar (database versions not stated): ESP Exome Variant Server 0.00131; 1000 Genomes Project 0.00040; 1000 Genomes Project 30x 0.00047; ExAC 0.00049; TOPMed 0.00055; gnomAD exomes 0.00057 and 0.00091; gnomAD 0.00059 and 0.00067.
gnomAD v4.1: 1,427 of 1,613,130 alleles (0.088%); highest among the groups gnomAD compares: Non-Finnish European, 0.11%; no homozygotes.

Submissions 1 to 9 of 21:

Labcorp Genetics (formerly Invitae), Labcorp
Classification: Benign for Cystic fibrosis. Last evaluated: 2026-02-04. Review status: criteria provided, single submitter. Criteria: Invitae Variant Classification Sherloc (09022015). Collection method: clinical testing. Allele origin: germline.

Women's Health and Genetics/Laboratory Corporation of America, LabCorp
Classification: Likely benign. Last evaluated: 2025-09-10. Review status: criteria provided, single submitter. Criteria: LabCorp Variant Classification Summary - May 2015. Collection method: clinical testing. Allele origin: germline.
Comment: Variant summary: CFTR c.890G>A (p.Arg297Gln) results in a conservative amino acid change located in the first transmembrane domain (IPR011527), within the second cytoplasmic loop (Choi_2001) of the encoded protein sequence. Algorithms developed to predict the effect of missense changes on protein structure and function are either unavailable or do not agree on the potential impact of this missense change. The variant allele was found at a frequency of 0.00056 in 251720 control chromosomes, predominantly at a frequency of 0.0011 within the Non-Finnish European subpopulation in the gnomAD database. This frequency is not significantly higher than estimated for disease-causing variants in CFTR, allowing no conclusion about variant significance. c.890G>A has been reported in the literature in multiple individuals affected with a milder, atypical form of cystic fibrosis (Graham_1991 [no PMID], Hughes_2001) and was detected in neonates with positive newborn screening sweat test results (Scotet_2000, Bozdogan_2021), however in Scotet_2000 the CFTR gene was not fully sequenced. The variant was also reported with various CFTR-related phenotypes, e.g. asthma (Tzetis_2001) infertility (Ravnik-Glavac_2001, Gallati_2009), and cholestasis (Wang_2020). However, multiple affected individuals were reported to carry another pathogenic CFTR variant (5T) in cis with the variant of interest (Graham 1991, Hughes 2001, Tzetis 2001), along with a family study indicating that the variant did not segregate with the disease (Dorval 1995). The variant was also reported in patients affected with chronic or recurrent pancreatitis (e.g. Casals_2004, Keiles_2006, Sutton_2010, Sultan_2012, Masson_2013, LaRusch_2014). However, some of these patients also carried the variant CFTR c.221G>A (p.Arg74Gln) (e.g. Keiles_2006, Masson_2013), and this co-occurring variant (i.e. R74Q) was also reported in several patients with chronic- or idiopathic pancreatitis. Therefore, these data do not allow clear conclusions about variant significance. Functional studies found that the variant resulted in a chloride channel function similar to the wild-type (Seibert 1997), or moderately decreased chloride channel conductance, i.e. ~64% relative to wild type (Bihler_2024). On the other hand, an earlier study reported a significantly reduced bicarbonate transport (Choi 2001). According to a later study, other variants that impair bicarbonate permeation may increase the risk for pancreatitis, but not for cystic fibrosis (LaRusch 2014). The following publications have been ascertained in the context of this evaluation (PMID: 24418186, 33572515, 15097853, 11242048, 8680407, 7551394, 20021716, 29589582, 11288718, 23514810, 17003641, 25033378, 23951356, 33946859, 20416310, 11788091, 31674704, 11168024, 11022925, 9305991, 11288708, 22094894, 16778595, 20846557, 8818956, 9691989, 11354633, 31450232, 38388235). ClinVar contains an entry for this variant (Variation ID: 54082). Based on the evidence outlined above, the variant was classified as likely benign.

Quest Diagnostics Nichols Institute San Juan Capistrano
Classification: Uncertain significance. Last evaluated: 2025-06-14. Review status: criteria provided, single submitter. Criteria: Quest Diagnostics criteria. Collection method: clinical testing. Allele origin: unknown.
Comment: The CFTR c.890G>A (p.Arg297Gln) variant has been reported in individuals with cystic fibrosis (CF) (PMID: 34782259 (2021)), mild/atypical CF (Graham et. al., J Med Genet (1991) 28(8):571, and PMID: 11288718 (2001)), and CFTR-related disorders (PMID: 33946859 (2021), 28502372 (2017), 25033378 (2014), 23951356 (2013), 22094894 (2012), 17003641 (2006)). This variant has also been identified in reportedly unaffected individuals who carried a CF-causing mutation on the opposing chromosome (PMID: 29589582 (2018), 8680407 (1995)). Functional studies indicate this variant has neutral to partial effect on CFTR chloride conductance, and reduced bicarbonate transport (PMID: 38388235 (2024), 11242048 (2001), 9305991 (1997)). The frequency of this variant in the general population (Genome Aggregation Database) is uninformative in the assessment of its pathogenicity. Analysis of this variant using bioinformatics tools for the prediction of the effect of amino acid changes on protein structure and function yielded conflicting predictions that this variant is deleterious or benign. Based on the available information, we are unable to determine the clinical significance of this variant.

CeGaT Center for Human Genetics Tuebingen
Classification: Likely benign. Last evaluated: 2025-06-01. Review status: criteria provided, single submitter. Criteria: CeGaT Center For Human Genetics Tuebingen Variant Classification Criteria Version 2. Collection method: clinical testing. Allele origin: germline. Affected: yes. Observed: 3 variant alleles.
Comment: CFTR: PM5:Supporting, BS1:Supporting, BS4

GeneDx
Classification: Uncertain significance. Last evaluated: 2025-03-19. Review status: criteria provided, single submitter. Criteria: GeneDx Variant Classification Process June 2021. Collection method: clinical testing. Allele origin: germline. Affected: yes.
Comment: Published functional studies are inconclusive: reduced bicarbonate:chloride transport ratio with chloride channel function similar to or less than wildtype but not as severe as positive controls (PMID: 9305991, 11242048, 38388235); Identified in individuals with cystic fibrosis (CF) or CFTR-related disorders, including patients with pancreatitis (PMID: 11022925, 11288718, 11168024, 24418186, 17003641, 22094894, 20846557, 40065563); In silico analysis indicates that this missense variant does not alter protein structure/function; This variant is associated with the following publications: (PMID: 25087612, 18456578, 11288708, 9305991, 11288718, 11242048, 20416310, 20021716, 24418186, 23514810, 20846557, 22094894, 17003641, 16778595, 8818956, 23951356, 11354633, 11022925, 29589582, 11168024, 23523379, 1284534, 7551394, 15097853, 11788091, 34782259, 32508047, 34996830, 38695616, 38515211, 40044664, 38388235, 39855646, 40065563, 37628659, 40070865, Canbek2024[CaseReport], 8680407)

PreventionGenetics, part of Exact Sciences
Classification: Likely benign for CFTR-related condition. Last evaluated: 2025-03-04. Review status: criteria provided, single submitter. Criteria: ACMG Guidelines, 2015. Collection method: clinical testing. Allele origin: germline.
Comment: This variant is classified as likely benign based on ACMG/AMP sequence variant interpretation guidelines (Richards et al. 2015 PMID: 25741868, with internal and published modifications).

3billion
Classification: Uncertain significance for Cystic fibrosis. Last evaluated: 2025-02-19. Review status: criteria provided, single submitter. Criteria: ACMG Guidelines, 2015. Collection method: clinical testing. Allele origin: germline. Affected: yes.
Comment: The variant is observed at an extremely low frequency in the gnomAD v4.1.0 dataset (total allele frequency: 0.088%). Predicted Consequence/Location: Missense variant In silico tool predictions suggest damaging effect of the variant on gene or gene product [REVEL: 0.72 (>=0.6, sensitivity 0.68 and specificity 0.92)]. A different missense change at the same codon (p.Arg297Trp) has been reported to be associated with CFTR-related disorder (PMID: 9272157). However the evidence of pathogenicity is insufficient at this time. The variant has been reported at least twice as benign with clinical assertions and evidence for the classification (ClinVar ID: VCV000054082). Therefore, this variant is classified as VUS according to the recommendation of ACMG/AMP guideline.

Revvity Omics, Revvity
Classification: Uncertain significance. Last evaluated: 2024-10-15. Review status: criteria provided, single submitter. Criteria: ACMG Guidelines, 2015. Collection method: clinical testing. Allele origin: germline.

Blueprint Genetics
Classification: Likely benign. Last evaluated: 2024-10-09. Review status: criteria provided, single submitter. Criteria: ACMG Guidelines, 2015. Collection method: clinical testing. Allele origin: germline.